The following is an entry in ClinVar:

ClinVar aggregate classification (germline): Uncertain significance. Review status: criteria provided, multiple submitters, no conflicts (2 of 4 stars). 3 submissions from 3 submitters: Uncertain significance (3). Last evaluated 2023-09-20.

Conditions:
Febrile seizures, familial, 1. Also called: FEB1. Identifiers: MedGen C1852577, MONDO:0007367, OMIM 121210.
Inborn genetic diseases. Identifiers: MedGen C0950123, MeSH D030342.

Allele frequency attached by ClinVar (database versions not stated): ExAC 0.00001; gnomAD 0.00001; gnomAD exomes 0.00001 and 0.00002; TOPMed 0.00002.
gnomAD v4.1: 28 of 1,612,060 alleles (0.0017%); highest among the groups gnomAD compares: Non-Finnish European, 0.0021%; no homozygotes.

Submissions (3):

Ambry Genetics
Classification: Uncertain significance for Inborn genetic diseases. Last evaluated: 2023-09-20. Review status: criteria provided, single submitter. Criteria: Ambry Variant Classification Scheme 2023. Collection method: clinical testing. Allele origin: germline.

Labcorp Genetics (formerly Invitae), Labcorp
Classification: Uncertain significance. Last evaluated: 2021-09-03. Review status: criteria provided, single submitter. Criteria: Invitae Variant Classification Sherloc (09022015). Collection method: clinical testing. Allele origin: germline.
Comment: This sequence change replaces proline with threonine at codon 4513 of the ADGRV1 protein (p.Pro4513Thr). The proline residue is moderately conserved and there is a small physicochemical difference between proline and threonine. This variant is present in population databases (rs751291710, ExAC 0.002%). This variant has not been reported in the literature in individuals affected with ADGRV1-related conditions. ClinVar contains an entry for this variant (Variation ID: 587575). Algorithms developed to predict the effect of missense changes on protein structure and function are either unavailable or do not agree on the potential impact of this missense change (SIFT: "Tolerated"; PolyPhen-2: "Probably Damaging"; Align-GVGD: "Class C0"). In summary, the available evidence is currently insufficient to determine the role of this variant in disease. Therefore, it has been classified as a Variant of Uncertain Significance.

Genomic Research Center, Shahid Beheshti University of Medical Sciences
Classification: Uncertain significance for Febrile seizures, familial, 1. Last evaluated: 2018-08-07. Review status: criteria provided, single submitter. Criteria: ACMG Guidelines, 2015. Collection method: clinical testing. Allele origin: inherited. Affected: yes. Observed: 1 variant allele.

NM_032119.4(ADGRV1):c.13537C>A (p.Pro4513Thr)

Gene: ADGRV1 (adhesion G protein-coupled receptor V1; plus strand). Cytogenetic location: 5q14.3.
Variant type: single nucleotide variant.
Coding change: c.13537C>A on transcript NM_032119.4 (MANE Select); coding-DNA position 13537, C replaced by A.
Protein change: p.Pro4513Thr; replaces proline 4513 with threonine.
Molecular consequence: missense variant. On other transcripts: non-coding transcript variant (1).
Genome position (GRCh38, 1-based): chr5:90,783,941, C>A. VCF-style: chr5-90783941-C-A. GRCh37 (hg19) VCF-style: chr5-90079758-C-A.
Other names: short protein forms P4513T.
Identifiers: ClinVar variation 587575 (VCV000587575.9), dbSNP rs751291710, ClinGen allele CA3341545.